The following is an entry in ClinVar:

NM_004187.5(KDM5C):c.1541A>T (p.His514Leu)

Gene: KDM5C (lysine demethylase 5C; minus strand). Cytogenetic location: Xp11.22.
Variant type: single nucleotide variant.
Coding change: c.1541A>T on transcript NM_004187.5 (MANE Select); coding-DNA position 1541, A replaced by T.
Protein change: p.His514Leu; replaces histidine 514 with leucine.
Molecular consequence: missense variant. On other transcripts: non-coding transcript variant (3).
Genome position (GRCh38, 1-based): chrX:53,210,718, T>A on the plus strand (A>T on the coding strand, the complement: KDM5C is on the minus strand). VCF-style: chrX-53210718-T-A. GRCh37 (hg19) VCF-style: chrX-53239900-T-A.
Other names: c.1340A>T, p.His447Leu (NM_001146702.2); c.1538A>T, p.His513Leu (NM_001282622.3, NM_001353979.2, NM_001353982.2); c.1541A>T, p.His514Leu (NM_001353978.3, NM_001353981.2, NM_001353984.2); short protein forms H514L, H447L, H513L.
Identifiers: ClinVar variation 419589 (VCV000419589.2), dbSNP rs1064793975, ClinGen allele CA16621434.
Genomic context (GRCh38, chrX:53,210,718, plus strand): 5'-CCCCAGGGTCCCACTCACCAGTGGAGGTAGTTAATGGAGTAACTCCAGTGATCCTCAATA[T>A]GCCAGCAAAAGGCTGAGAAGACCATGCCCACGTAGAGCCAGGGCACCTTCATGCCAGAGA-3'
Protein context (NP_004178.2, residues 504-524): VGMVFSAFCW[His514Leu]IEDHWSYSIN

ClinVar aggregate classification (germline): Pathogenic/Likely pathogenic. Review status: criteria provided, multiple submitters, no conflicts (2 of 4 stars). 2 submissions from 2 submitters: Pathogenic (1); Likely pathogenic (1). Last evaluated 2025-09-03.

Conditions:
Intellectual developmental disorder, X-linked, syndromic, Claes-Jensen type. Also called: INTELLECTUAL DEVELOPMENTAL DISORDER, X-LINKED, SYNDROMIC 16; MENTAL RETARDATION, X-LINKED, SYNDROMIC 16; Syndromic X-linked intellectual disability Claes-Jensen type. Identifiers: Orphanet 85279, MedGen C1845243, MONDO:0010355, OMIM 300534.

Submissions (2):

First Genomix Gene Laboratory, Genetic Diagnostics Department
Classification: Likely pathogenic for Intellectual developmental disorder, X-linked, syndromic, Claes-Jensen type. Last evaluated: 2025-09-03. Review status: criteria provided, single submitter. Criteria: ACMG Guidelines, 2015. Collection method: clinical testing. Allele origin: germline. Inheritance: X-linked recessive inheritance. Affected: no. Observed: 1 variant allele.

GeneDx
Classification: Pathogenic. Last evaluated: 2015-08-21. Review status: criteria provided, single submitter. Criteria: GeneDx Variant Classification (06012015). Collection method: clinical testing. Allele origin: germline. Affected: yes.
Comment: The H514L substitution in the KDM5C gene has not been reported previously as a pathogenic variantnor as a benign polymorphism, to our knowledge. However, a different missense variant at this samecodon (H514A) has been reported to destroy the demethylase activity of KDM5C (Iwase et al., 2007;Tahiliani et al., 2007). Additionally, a missense variant in nearby residue V504M has been reported in theHuman Gene Mutation Database in association with X-linked intellectual disability (Stenson et al., 2014),further supporting the functional importance of this region of the protein. The H514L substitution was notobserved in approximately 6500 individuals of European and African American ancestry in the NHLBIExome Sequencing Project, indicating it is not a common benign variant in these populations. The H514Lvariant is a non-conservative amino acid substitution, which is likely to impact secondary protein structureas these residues differ in polarity, charge, size and/or other properties. This substitution occurs at aposition that is conserved across species. In silico analysis predicts this variant is probably damaging tothe protein structure/function. We interpret H514L as a pathogenic variant.